The following is an entry in ClinVar:

NM_006269.2(RP1):c.2918del (p.Lys973fs)

Gene: RP1 (RP1 axonemal microtubule associated; plus strand). Cytogenetic location: 8q12.1.
Variant type: Deletion.
Coding change: c.2918del on transcript NM_006269.2 (MANE Select); coding-DNA position 2918, one base deleted (A; older notation c.2918delA).
Protein change: p.Lys973fs; shifts the reading frame from lysine 973.
Molecular consequence: frameshift variant. On other transcripts: intron variant (1).
Genome position (GRCh38, 1-based): chr8:54,626,800, A deleted; the last of 2 consecutive A bases (chr8:54,626,799-54,626,800); deleting either gives the same sequence. VCF-style (leftmost placement, unchanged base first): chr8-54626798-TA-T. GRCh37 (hg19) VCF-style: chr8-55539358-TA-T.
Other names: c.787+4512del (NM_001375654.1); short protein forms K973fs.
Identifiers: ClinVar variation 1452879 (VCV001452879.7), dbSNP rs2129316919, ClinGen allele CA2573143174.

ClinVar aggregate classification (germline): Pathogenic/Likely pathogenic. Review status: criteria provided, multiple submitters, no conflicts (2 of 4 stars). 2 submissions from 2 submitters: Pathogenic (1); Likely pathogenic (1). Last evaluated 2022-11-29.

Conditions:
RP1-related disorder. Also called: RP1-related condition.

Submissions (2):

Labcorp Genetics (formerly Invitae), Labcorp
Classification: Pathogenic. Last evaluated: 2022-11-29. Review status: criteria provided, single submitter. Criteria: Invitae Variant Classification Sherloc (09022015). Collection method: clinical testing. Allele origin: germline.
Comment: For these reasons, this variant has been classified as Pathogenic. This variant disrupts the C-terminus of the RP1 protein. Many variants that disrupt this region have been reported in individuals with either autosomal dominant or autosomal recessive retinitis pigmentosa (PMID: 11527933, 19933189, 29425069, 30027431, 33681214). Therefore, variants that disrupt this region are expected to be disease-causing. ClinVar contains an entry for this variant (Variation ID: 1452879). This variant has not been reported in the literature in individuals affected with RP1-related conditions. This variant is not present in population databases (gnomAD no frequency). This sequence change creates a premature translational stop signal (p.Lys973Serfs*3) in the RP1 gene. While this is not anticipated to result in nonsense mediated decay, it is expected to disrupt the last 1184 amino acid(s) of the RP1 protein.

Blueprint Genetics
Classification: Likely pathogenic for RP1-related disorders. Last evaluated: 2022-09-02. Review status: criteria provided, single submitter. Criteria: ACMG Guidelines, 2015. Collection method: clinical testing. Allele origin: germline. Affected: yes. Observed: 1 variant allele.

Literature cited by the submitters: PubMed 11527933 (cited by Labcorp Genetics (formerly Invitae), Labcorp); PubMed 19933189 (cited by Labcorp Genetics (formerly Invitae), Labcorp); PubMed 29425069 (cited by Labcorp Genetics (formerly Invitae), Labcorp); PubMed 30027431 (cited by Labcorp Genetics (formerly Invitae), Labcorp); PubMed 33681214 (cited by Labcorp Genetics (formerly Invitae), Labcorp).